The following is an entry in ClinVar:

ClinVar aggregate classification (germline): Conflicting classifications of pathogenicity. Review status: criteria provided, conflicting classifications (1 of 4 stars). 8 submissions from 8 submitters: Uncertain significance (7); Likely benign (1). Last evaluated 2026-01-14.

Conditions:
Hereditary cancer-predisposing syndrome. Also called: Hereditary Cancer Syndrome; Neoplastic Syndromes, Hereditary; Hereditary neoplastic syndrome; Tumor predisposition. Identifiers: Orphanet 140162, MedGen C0027672, MeSH D009386, MONDO:0015356.
POLD1-related polyposis and colorectal cancer syndrome (CRCS10). Also called: COLORECTAL CANCER, SUSCEPTIBILITY TO, ON CHROMOSOME 19q; Colorectal cancer 10; Colorectal cancer, susceptibility to, 10. Identifiers: Orphanet 220460, MedGen C2675481, MONDO:0012953, OMIM 612591.
Mandibular hypoplasia-deafness-progeroid syndrome. Also called: Mandibular hypoplasia, deafness, progeroid features, and lipodystrophy syndrome. Identifiers: Orphanet 363649, MedGen C3715192, MONDO:0014157, OMIM 615381.
Immunodeficiency 120. Identifiers: MedGen C5935622, MONDO:0970994, OMIM 620836.

Allele frequency attached by ClinVar (database versions not stated): ExAC 0.00002; TOPMed 0.00002; gnomAD 0.00003; gnomAD exomes 0.00003.
gnomAD v4.1: 34 of 1,613,434 alleles (0.0021%); highest among the groups gnomAD compares: Middle Eastern, 0.016%; no homozygotes.

Submissions (8):

Labcorp Genetics (formerly Invitae), Labcorp
Classification: Uncertain significance for POLD1-related polyposis and colorectal cancer syndrome. Last evaluated: 2026-01-14. Review status: criteria provided, single submitter. Criteria: Invitae Variant Classification Sherloc (09022015). Collection method: clinical testing. Allele origin: germline.
Comment: This sequence change replaces arginine, which is basic and polar, with histidine, which is basic and polar, at codon 386 of the POLD1 protein (p.Arg386His). This variant is present in population databases (rs764023083, gnomAD 0.01%). This variant has not been reported in the literature in individuals affected with POLD1-related conditions. ClinVar contains an entry for this variant (Variation ID: 239224). Invitae Evidence Modeling of protein sequence and biophysical properties (such as structural, functional, and spatial information, amino acid conservation, physicochemical variation, residue mobility, and thermodynamic stability) indicates that this missense variant is not expected to disrupt POLD1 protein function with a negative predictive value of 80%. In summary, the available evidence is currently insufficient to determine the role of this variant in disease. Therefore, it has been classified as a Variant of Uncertain Significance.

Center for Genomic Medicine, Rigshospitalet, Copenhagen University Hospital
Classification: Uncertain significance. Last evaluated: 2025-03-04. Review status: criteria provided, single submitter. Criteria: ACMG Guidelines, 2015. Collection method: clinical testing. Allele origin: germline.

Department of Pathology and Laboratory Medicine, Sinai Health System
Classification: Uncertain significance for POLD1-related polyposis and colorectal cancer syndrome; Mandibular hypoplasia-deafness-progeroid syndrome; Immunodeficiency 120. Last evaluated: 2025-01-23. Review status: criteria provided, single submitter. Criteria: ACMG Guidelines, 2015. Collection method: clinical testing. Allele origin: germline.

Ambry Genetics
Classification: Likely benign for Hereditary cancer-predisposing syndrome. Last evaluated: 2025-01-13. Review status: criteria provided, single submitter. Criteria: Ambry Variant Classification Scheme 2023. Collection method: clinical testing. Allele origin: germline.

GeneDx
Classification: Uncertain significance. Last evaluated: 2024-01-03. Review status: criteria provided, single submitter. Criteria: GeneDx Variant Classification Process June 2021. Collection method: clinical testing. Allele origin: germline. Affected: yes.
Comment: In silico analysis supports that this missense variant has a deleterious effect on protein structure/function; Has not been previously published as a pathogenic or benign germline variant to our knowledge; This variant is associated with the following publications: (PMID: 29056344, 20951805)

Baylor Genetics
Classification: Uncertain significance for POLD1-related polyposis and colorectal cancer syndrome. Last evaluated: 2023-08-20. Review status: criteria provided, single submitter. Criteria: ACMG Guidelines, 2015. Collection method: clinical testing. Allele origin: unknown.

Fulgent Genetics
Classification: Uncertain significance for POLD1-related polyposis and colorectal cancer syndrome; Mandibular hypoplasia-deafness-progeroid syndrome. Last evaluated: 2018-10-31. Review status: criteria provided, single submitter. Criteria: ACMG Guidelines, 2015. Collection method: clinical testing. Allele origin: unknown.

Laboratory for Molecular Medicine, Mass General Brigham Personalized Medicine
Classification: Uncertain significance. Last evaluated: 2017-03-09. Review status: criteria provided, single submitter. Criteria: LMM Criteria. Collection method: clinical testing. Allele origin: germline. Observed: 2 variant alleles.
Comment: The p.Arg386His variant in POLD1 has not been previously reported in individuals with colorectal cancer, but has been reported by other clinical laboratories in ClinVar (Variation ID 239224). It has been identified in 2/30782 South Asian ch romosomes and 1/9850 Ashkenazi Jewish chromosomes by the Genome Aggregation Data base (gnomAD; dbSNP rs764023083). Computationa l prediction tools and conservation analysis suggest that the p.Arg386His varian t may not impact the protein, though this information is not predictive enough t o rule out pathogenicity. In summary, the clinical significance of the p.Arg386H is variant is uncertain. ACMG/AMP Criteria applied: PM2, BP4.

NM_002691.4(POLD1):c.1157G>A (p.Arg386His)

Gene: POLD1 (DNA polymerase delta 1, catalytic subunit; plus strand). Cytogenetic location: 19q13.33.
Variant type: single nucleotide variant.
Coding change: c.1157G>A on transcript NM_002691.4 (MANE Select); coding-DNA position 1157, G replaced by A.
Protein change: p.Arg386His; replaces arginine 386 with histidine.
Molecular consequence: missense variant. On other transcripts: non-coding transcript variant (1).
Genome position (GRCh38, 1-based): chr19:50,403,512, G>A. VCF-style: chr19-50403512-G-A. GRCh37 (hg19) VCF-style: chr19-50906769-G-A.
Other names: c.1157G>A, p.Arg386His (NM_001256849.1, NM_001308632.1); short protein forms R386H.
Identifiers: ClinVar variation 239224 (VCV000239224.31), dbSNP rs764023083, ClinGen allele CA9596055.